The following is an entry in ClinVar:

ClinVar aggregate classification (germline): Uncertain significance (1 of 4 stars; one submission).

Conditions:
Neuropathy, hereditary sensory, type 2C. Also called: KIF1A-Related HSAN2 (HSAN2C); Hereditary sensory and autonomic neuropathy type IIC. Identifiers: Orphanet 970, MedGen C3280168, MONDO:0013634, OMIM 614213.
Hereditary spastic paraplegia 30. Identifiers: Orphanet 101010, MedGen C5235139, MONDO:0012476.
Intellectual disability, autosomal dominant 9 (NESCAVS). Also called: NESCAV SYNDROME; KIF1A-Related Neurodevelopmental Disorder. Identifiers: Orphanet 662367, MedGen C5393830, MONDO:0013656, OMIM 614255.

Submission:

Labcorp Genetics (formerly Invitae), Labcorp
Classification: Uncertain significance for Hereditary spastic paraplegia 30; Neuropathy, hereditary sensory, type 2C; Intellectual disability, autosomal dominant 9. Last evaluated: 2023-03-20. Review status: criteria provided, single submitter. Criteria: Invitae Variant Classification Sherloc (09022015). Collection method: clinical testing. Allele origin: germline.
Comment: This sequence change replaces proline, which is neutral and non-polar, with alanine, which is neutral and non-polar, at codon 333 of the KIF1A protein (p.Pro333Ala). In summary, the available evidence is currently insufficient to determine the role of this variant in disease. Therefore, it has been classified as a Variant of Uncertain Significance. Advanced modeling of protein sequence and biophysical properties (such as structural, functional, and spatial information, amino acid conservation, physicochemical variation, residue mobility, and thermodynamic stability) performed at Invitae indicates that this missense variant is expected to disrupt KIF1A protein function. This variant has not been reported in the literature in individuals affected with KIF1A-related conditions. This variant is not present in population databases (gnomAD no frequency).

NM_001244008.2(KIF1A):c.997C>G (p.Pro333Ala)

Gene: KIF1A (kinesin family member 1A; minus strand). Cytogenetic location: 2q37.3.
Variant type: single nucleotide variant.
Coding change: c.997C>G on transcript NM_001244008.2 (MANE Select); coding-DNA position 997, C replaced by G.
Protein change: p.Pro333Ala; replaces proline 333 with alanine.
Molecular consequence: missense variant.
Genome position (GRCh38, 1-based): chr2:240,774,223, G>C on the plus strand (C>G on the coding strand, the complement: KIF1A is on the minus strand). VCF-style: chr2-240774223-G-C. GRCh37 (hg19) VCF-style: chr2-241713640-G-C.
Other names: c.997C>G, p.Pro333Ala (NM_001320705.2, NM_001330289.2, NM_001330290.2 and 21 more transcripts); short protein forms P333A.
Identifiers: ClinVar variation 2945514 (VCV002945514.3), dbSNP rs2537957381, ClinGen allele CA351296797.